The following is an entry in ClinVar:

NM_000059.4(BRCA2):c.7201del (p.Arg2401fs)

Gene: BRCA2 (BRCA2 DNA repair associated; plus strand). Cytogenetic location: 13q13.1.
Variant type: Deletion.
Coding change: c.7201del on transcript NM_000059.4 (MANE Select); coding-DNA position 7201, one base deleted (A; older notation c.7201delA).
Protein change: p.Arg2401fs; shifts the reading frame from arginine 2401.
Molecular consequence: frameshift variant. On other transcripts: non-coding transcript variant (1).
Genome position (GRCh38, 1-based): chr13:32,355,054, A deleted. VCF-style (leftmost placement, unchanged base first): chr13-32355053-CA-C. GRCh37 (hg19) VCF-style: chr13-32929190-CA-C.
Other names: c.7201delA, p.Arg2401Aspfs (NM_000059.3); c.7105del, p.Arg2369fs (NM_001406719.1); c.7201del, p.Arg2401fs (NM_001406720.1, NM_001432077.1); c.2269del, p.Arg757fs (NM_001406721.1); c.784del, p.Arg262fs (NM_001406722.1); short protein forms R2401fs, R262fs, R2369fs, R757fs.
Identifiers: ClinVar variation 3572364 (VCV003572364.1).

ClinVar aggregate classification (germline): Likely pathogenic (1 of 4 stars; one submission).

Submission:

Quest Diagnostics Nichols Institute San Juan Capistrano
Classification: Likely pathogenic. Last evaluated: 2023-11-30. Review status: criteria provided, single submitter. Criteria: Quest Diagnostics criteria. Collection method: clinical testing. Allele origin: unknown.
Comment: The BRCA2 c.7201del (p.Arg2401Aspfs*68) variant alters the translational reading frame of the BRCA2 mRNA and is predicted to cause the premature termination of BRCA2 protein synthesis. This variant has not been reported in individuals with BRCA2-related conditions in the published literature. This variant has not been reported in large, multi-ethnic general populations (Genome Aggregation Database). Based on the available information, this variant is classified as likely pathogenic.